The following is an entry in ClinVar:

NM_001029883.3(PCARE):c.1968G>T (p.Arg656Ser)

Gene: PCARE (photoreceptor cilium actin regulator; minus strand). Cytogenetic location: 2p23.2.
Variant type: single nucleotide variant.
Coding change: c.1968G>T on transcript NM_001029883.3 (MANE Select); coding-DNA position 1968, G replaced by T.
Protein change: p.Arg656Ser; replaces arginine 656 with serine.
Molecular consequence: missense variant.
Genome position (GRCh38, 1-based): chr2:29,072,294, C>A on the plus strand (G>T on the coding strand, the complement: PCARE is on the minus strand). VCF-style: chr2-29072294-C-A. GRCh37 (hg19) VCF-style: chr2-29295160-C-A.
Other names: short protein forms R656S.
Identifiers: ClinVar variation 335652 (VCV000335652.11), dbSNP rs201980758, ClinGen allele CA1592311.
Genomic context (GRCh38, chr2:29,072,294, plus strand): 5'-AATACTGAAGTTCTTGGTGAGGGATGCCTTGAGCCTGCTGGTGGTGTTGCTTGGACTGAC[C>A]CTGCAGGTGCCATTGGGCCACACGGCGGCTGCTCTGGGCTGCAGAATTTGCTCCTGGCTC-3'
Protein context (NP_001025054.1, residues 646-666): AAAVWPNGTC[Arg656Ser]VSPSNTTSRL

ClinVar aggregate classification (germline): Conflicting classifications of pathogenicity. Review status: criteria provided, conflicting classifications (1 of 4 stars). 5 submissions from 5 submitters: Uncertain significance (3); Likely benign (2). Last evaluated 2024-11-19.

Conditions:
Retinitis pigmentosa (RP). Identifiers: Orphanet 791, MedGen C0035334, MeSH D012174, MONDO:0019200, OMIM 268000. Inheritance: Autosomal dominant, autosomal recessive and X linked inheritance.
PCARE-related disorder. Also called: PCARE-related condition.
Retinitis pigmentosa 54 (RP54). Identifiers: Orphanet 791, MedGen C3150691, MONDO:0013263, OMIM 613428.

Allele frequency attached by ClinVar (database versions not stated): gnomAD 0.00015 and 0.00019; ESP Exome Variant Server 0.00024; TOPMed 0.00048.
gnomAD v4.1: 293 of 1,614,220 alleles (0.018%); highest among the groups gnomAD compares: Middle Eastern, 0.15%; 1 homozygote.

Submissions (5):

PreventionGenetics, part of Exact Sciences
Classification: Likely benign for PCARE-related condition. Last evaluated: 2024-11-19. Review status: criteria provided, single submitter. Criteria: ACMG Guidelines, 2015. Collection method: clinical testing. Allele origin: germline.
Comment: This variant is classified as likely benign based on ACMG/AMP sequence variant interpretation guidelines (Richards et al. 2015 PMID: 25741868, with internal and published modifications).

Blueprint Genetics
Classification: Likely benign. Last evaluated: 2024-10-15. Review status: criteria provided, single submitter. Criteria: ACMG Guidelines, 2015. Collection method: clinical testing. Allele origin: germline.

Labcorp Genetics (formerly Invitae), Labcorp
Classification: Uncertain significance. Last evaluated: 2022-10-17. Review status: criteria provided, single submitter. Criteria: Invitae Variant Classification Sherloc (09022015). Collection method: clinical testing. Allele origin: germline.
Comment: This sequence change replaces arginine, which is basic and polar, with serine, which is neutral and polar, at codon 656 of the PCARE protein (p.Arg656Ser). This variant is present in population databases (rs201980758, gnomAD 0.1%). This variant has not been reported in the literature in individuals affected with PCARE-related conditions. ClinVar contains an entry for this variant (Variation ID: 335652). Algorithms developed to predict the effect of missense changes on protein structure and function are either unavailable or do not agree on the potential impact of this missense change (SIFT: "Deleterious"; PolyPhen-2: "Benign"; Align-GVGD: "Class C0"). In summary, the available evidence is currently insufficient to determine the role of this variant in disease. Therefore, it has been classified as a Variant of Uncertain Significance.

Fulgent Genetics
Classification: Uncertain significance for Retinitis pigmentosa 54. Last evaluated: 2022-04-05. Review status: criteria provided, single submitter. Criteria: ACMG Guidelines, 2015. Collection method: clinical testing. Allele origin: unknown.

Illumina Laboratory Services, Illumina
Classification: Uncertain significance for Retinitis pigmentosa. Last evaluated: 2018-01-12. Review status: criteria provided, single submitter. Criteria: ICSL Variant Classification Criteria 13 December 2019. Collection method: clinical testing. Allele origin: germline.